The following is an entry in ClinVar:

ClinVar aggregate classification (germline): Uncertain significance (1 of 4 stars; one submission).

Conditions:
Pyridoxine-dependent epilepsy (EPEO4). Also called: PYRIDOXINE DEPENDENCY WITH SEIZURES; Pyridoxine-Dependent Epilepsy - ALDH7A1; EPILEPSY, EARLY-ONSET, 4, VITAMIN B6-DEPENDENT; Pyridoxine-Dependent Seizures. Identifiers: Orphanet 3006, MedGen C1849508, MONDO:0009945, OMIM 266100. Disease mechanism: loss of function.

Submission:

Labcorp Genetics (formerly Invitae), Labcorp
Classification: Uncertain significance for Pyridoxine-dependent epilepsy. Last evaluated: 2022-06-13. Review status: criteria provided, single submitter. Criteria: Invitae Variant Classification Sherloc (09022015). Collection method: clinical testing. Allele origin: germline.
Comment: In summary, the available evidence is currently insufficient to determine the role of this variant in disease. Therefore, it has been classified as a Variant of Uncertain Significance. Algorithms developed to predict the effect of missense changes on protein structure and function are either unavailable or do not agree on the potential impact of this missense change (SIFT: "Tolerated"; PolyPhen-2: "Possibly Damaging"; Align-GVGD: "Class C0"). ClinVar contains an entry for this variant (Variation ID: 937016). This variant has not been reported in the literature in individuals affected with ALDH7A1-related conditions. This variant is not present in population databases (gnomAD no frequency). This sequence change replaces phenylalanine, which is neutral and non-polar, with serine, which is neutral and polar, at codon 306 of the ALDH7A1 protein (p.Phe306Ser).

NM_001182.5(ALDH7A1):c.917T>C (p.Phe306Ser)

Gene: ALDH7A1 (aldehyde dehydrogenase 7 family member A1; minus strand). Cytogenetic location: 5q23.2.
Variant type: single nucleotide variant.
Coding change: c.917T>C on transcript NM_001182.5 (MANE Select); coding-DNA position 917, T replaced by C.
Protein change: p.Phe306Ser; replaces phenylalanine 306 with serine.
Molecular consequence: missense variant.
Genome position (GRCh38, 1-based): chr5:126,559,331, A>G on the plus strand (T>C on the coding strand, the complement: ALDH7A1 is on the minus strand). VCF-style: chr5-126559331-A-G. GRCh37 (hg19) VCF-style: chr5-125895023-A-G.
Other names: c.833T>C, p.Phe278Ser (NM_001201377.2); c.917T>C, p.Phe306Ser (NM_001202404.2); short protein forms F278S, F306S.
Identifiers: ClinVar variation 937016 (VCV000937016.10), dbSNP rs1750312560, ClinGen allele CA360726851.